The following is an entry in ClinVar:

ClinVar aggregate classification (germline): Uncertain significance (1 of 4 stars; one submission).

Conditions:
Dilated cardiomyopathy 1DD (CMD1DD). Identifiers: Orphanet 154, MedGen C2750995, MONDO:0013168, OMIM 613172.

Allele frequency attached by ClinVar (database versions not stated): gnomAD exomes below 0.00001; TOPMed below 0.00001; gnomAD 0.00001.
gnomAD v4.1: 2 of 1,551,568 alleles (0.00013%); highest among the groups gnomAD compares: Non-Finnish European, 0.00017%; no homozygotes.

Submission:

Labcorp Genetics (formerly Invitae), Labcorp
Classification: Uncertain significance for Dilated cardiomyopathy 1DD. Last evaluated: 2019-03-09. Review status: criteria provided, single submitter. Criteria: Invitae Variant Classification Sherloc (09022015). Collection method: clinical testing. Allele origin: germline.
Comment: This sequence change replaces proline with leucine at codon 210 of the RBM20 protein (p.Pro210Leu). The proline residue is weakly conserved and there is a moderate physicochemical difference between proline and leucine. This variant is not present in population databases (ExAC no frequency). This variant has not been reported in the literature in individuals with RBM20-related disease. Algorithms developed to predict the effect of missense changes on protein structure and function do not agree on the potential impact of this missense change (PolyPhen-2: "Possibly Damaging"; Align-GVGD: "Class C0"). In summary, the available evidence is currently insufficient to determine the role of this variant in disease. Therefore, it has been classified as a Variant of Uncertain Significance.

NM_001134363.3(RBM20):c.629C>T (p.Pro210Leu)

Gene: RBM20 (RNA binding motif protein 20; plus strand). Cytogenetic location: 10q25.2.
Variant type: single nucleotide variant.
Coding change: c.629C>T on transcript NM_001134363.3 (MANE Select); coding-DNA position 629, C replaced by T.
Protein change: p.Pro210Leu; replaces proline 210 with leucine.
Molecular consequence: missense variant.
Genome position (GRCh38, 1-based): chr10:110,781,238, C>T. VCF-style: chr10-110781238-C-T. GRCh37 (hg19) VCF-style: chr10-112540996-C-T.
Other names: short protein forms P210L.
Identifiers: ClinVar variation 565338 (VCV000565338.10), dbSNP rs1564843906, ClinGen allele CA378381720.